The following is an entry in ClinVar:

NM_004985.5(KRAS):c.508A>T (p.Met170Leu)

Gene: KRAS (KRAS proto-oncogene, GTPase; minus strand). Cytogenetic location: 12p12.1.
Variant type: single nucleotide variant.
Coding change: c.508A>T on transcript NM_004985.5 (MANE Select); coding-DNA position 508, A replaced by T.
Protein change: p.Met170Leu; replaces methionine 170 with leucine.
Molecular consequence: missense variant. On other transcripts: 3 prime UTR variant (2).
Genome position (GRCh38, 1-based): chr12:25,209,854, T>A on the plus strand (A>T on the coding strand, the complement: KRAS is on the minus strand). VCF-style: chr12-25209854-T-A. GRCh37 (hg19) VCF-style: chr12-25362788-T-A.
Other names: p.M170L:ATG>TTG; (p.Met170Leu); c.*62A>T (NM_001369786.1, NM_033360.4); c.508A>T, p.Met170Leu (NM_001369787.1); short protein forms M170L.
Identifiers: ClinVar variation 180859 (VCV000180859.10), dbSNP rs369501492, ClinGen allele CA296087.

ClinVar aggregate classification (germline): Uncertain significance. Review status: reviewed by expert panel (3 of 4 stars). 4 submissions from 4 submitters: Uncertain significance (1). 3 of the submissions do not count toward it. Last evaluated 2019-09-24.

Conditions:
RASopathy. Also called: rasopathies; Noonan spectrum disorder. Identifiers: Orphanet 536391, MedGen C5555857, MONDO:0021060.

Allele frequency attached by ClinVar (database versions not stated): ExAC 0.00001; gnomAD exomes 0.00001; ESP Exome Variant Server 0.00008.

Submissions (4):

ClinGen RASopathy Variant Curation Expert Panel
Classification: Uncertain significance for RASopathy. Last evaluated: 2019-09-24. Review status: reviewed by expert panel. Criteria: ClinGen RASopathy ACMG Specifications v1. Collection method: curation. Allele origin: germline. Inheritance: Autosomal dominant inheritance.
Comment: The c.508A>T (p.Met170Leu) variant in KRAS was absent from large population studies (PM2). It was reported in 1 individual with a presentation that lacked a clear association with a RASopathy (PS4 not applied; SCV000310757.1) Computational prediction tools and conservation analyses do not provide strong support for or against an impact to the protein. This variant is located in the KRAS gene, which has been defined by the ClinGen RASopathy Expert Panel as a gene with a low rate of benign missense variants, and pathogenic missense variants are common (PP2; PMID: 29493581). In summary, the clinical significance of this variant is uncertain. ACMG/AMP Criteria applied: PM2, PP2.

Labcorp Genetics (formerly Invitae), Labcorp
Classification: Uncertain significance for RASopathy. Last evaluated: 2026-01-25. Review status: criteria provided, single submitter. Criteria: Invitae Variant Classification Sherloc (09022015). Collection method: clinical testing. Allele origin: germline. Not counted in ClinVar's aggregate classification.
Comment: This sequence change replaces methionine, which is neutral and non-polar, with leucine, which is neutral and non-polar, at codon 170 of the KRAS protein (p.Met170Leu). This variant is present in population databases (rs369501492, gnomAD 0.0009%). This variant has not been reported in the literature in individuals affected with KRAS-related conditions. ClinVar contains an entry for this variant (Variation ID: 180859). Invitae Evidence Modeling of protein sequence and biophysical properties (such as structural, functional, and spatial information, amino acid conservation, physicochemical variation, residue mobility, and thermodynamic stability) indicates that this missense variant is not expected to disrupt KRAS protein function with a negative predictive value of 95%. In summary, the available evidence is currently insufficient to determine the role of this variant in disease. Therefore, it has been classified as a Variant of Uncertain Significance.

PreventionGenetics, part of Exact Sciences
Classification: Uncertain significance. Last evaluated: 2019-08-06. Review status: criteria provided, single submitter. Criteria: ACMG Guidelines, 2015. Collection method: clinical testing. Allele origin: germline. Not counted in ClinVar's aggregate classification.

GeneDx
Classification: Uncertain significance. Last evaluated: 2015-09-20. Review status: criteria provided, single submitter. Criteria: GeneDx Variant Classification (06012015). Collection method: clinical testing. Allele origin: germline. Affected: yes. Not counted in ClinVar's aggregate classification.
Comment: A variant of unknown significance has been identified in the KRAS gene. The M170L variant has not been published as a mutation, nor has it been reported as a benign polymorphism to our knowledge. The NHLBI Exome Sequencing Project reports that M170L was observed in 1/8582 alleles from individuals of European background. The M170L variant is a conservative amino acid substitution, which is not likely to impact secondary protein structure as these residues share similar properties. This substitution occurs at a position that is conserved across species. In silico analysis predicts this variant likely does not alter the protein structure/function. Missense mutations have not been reported in nearby residues. Therefore, based on the currently available information, it is unclear whether this variant is a pathogenic mutation or a rare benign variant. The variant is found in NOONAN panel(s).